The following is an entry in ClinVar:

NM_002204.4(ITGA3):c.2794C>T (p.Arg932Ter)

Gene: ITGA3 (integrin subunit alpha 3; plus strand). Cytogenetic location: 17q21.33.
Variant type: single nucleotide variant.
Coding change: c.2794C>T on transcript NM_002204.4 (MANE Select); coding-DNA position 2794, C replaced by T.
Protein change: p.Arg932Ter; replaces arginine 932 with a stop codon.
Molecular consequence: nonsense.
Genome position (GRCh38, 1-based): chr17:50,080,349, C>T. VCF-style: chr17-50080349-C-T. GRCh37 (hg19) VCF-style: chr17-48157713-C-T.
Other names: short protein forms R932*.
Identifiers: ClinVar variation 2633774 (VCV002633774.2), dbSNP rs776593477, ClinGen allele CA8642036.
Genomic context (GRCh38, chr17:50,080,349, plus strand): 5'-GTGTGGCTAGAGTGCCCCATCCCTGATGCCCCCGTTGTCACCAACGTGACTGTGAAGGCA[C>T]GAGTGTGGAACAGCACCTTCATCGAGGTCAGTGCCTGGGTCTGAAGGTCTCTCCTACCAT-3'

ClinVar aggregate classification (germline): Likely pathogenic (1 of 4 stars; one submission).

Conditions:
ITGA3-related disorder. Also called: ITGA3-related condition.

Allele frequency attached by ClinVar (database versions not stated): ExAC 0.00001; TOPMed 0.00001.
gnomAD v4.1: 10 of 1,612,650 alleles (0.00062%); highest among the groups gnomAD compares: African/African-American, 0.0013%; no homozygotes.

Submission:

PreventionGenetics, part of Exact Sciences
Classification: Likely pathogenic for ITGA3-related condition. Last evaluated: 2025-10-02. Review status: criteria provided, single submitter. Criteria: ACMG Guidelines, 2015. Collection method: clinical testing. Allele origin: germline.
Comment: The ITGA3 c.2794C>T variant is predicted to result in premature protein termination (p.Arg932*). This variant has been reported in the homozygous state in an individual with anhydramnios, cardiomegaly, and hydrops fetalis (Table S1, Gorukmez et al. 2023. PubMed ID: 36964972). This variant is reported in 0.0018% of alleles in individuals of European (non-Finnish) descent in gnomAD. Nonsense variants in ITGA3 are expected to be pathogenic. This variant is interpreted as likely pathogenic.